The following is an entry in ClinVar:

ClinVar aggregate classification (germline): Conflicting classifications of pathogenicity. Review status: criteria provided, conflicting classifications (1 of 4 stars). 6 submissions from 6 submitters: Uncertain significance (5); Likely benign (1). Last evaluated 2025-12-29.

Conditions:
Long QT syndrome (LQTS). Identifiers: MedGen C0023976, MeSH D008133, MONDO:0002442. Disease mechanism: loss of function. Inheritance: Various modes of inheritance.
Cardiovascular phenotype. Identifiers: MedGen CN230736.
Long QT syndrome 12 (LQT12). Identifiers: Orphanet 101016, Orphanet 768, MedGen C2751830, MONDO:0013062, OMIM 612955.

Allele frequency attached by ClinVar (database versions not stated): gnomAD exomes 0.00001; gnomAD 0.00008 and 0.00009; TOPMed 0.00008.
gnomAD v4.1: 26 of 1,358,626 alleles (0.0019%); highest among the groups gnomAD compares: African/African-American, 0.036%; no homozygotes.

Submissions (6):

Labcorp Genetics (formerly Invitae), Labcorp
Classification: Uncertain significance for Long QT syndrome. Last evaluated: 2025-12-29. Review status: criteria provided, single submitter. Criteria: Invitae Variant Classification Sherloc (09022015). Collection method: clinical testing. Allele origin: germline.
Comment: This sequence change replaces serine, which is neutral and polar, with asparagine, which is neutral and polar, at codon 34 of the SNTA1 protein (p.Ser34Asn). This variant is present in population databases (no rsID available, gnomAD 0.03%). This missense change has been observed in individual(s) with clinical features of SNTA1-related conditions (PMID: 29247119). ClinVar contains an entry for this variant (Variation ID: 496194). Invitae Evidence Modeling of protein sequence and biophysical properties (such as structural, functional, and spatial information, amino acid conservation, physicochemical variation, residue mobility, and thermodynamic stability) indicates that this missense variant is not expected to disrupt SNTA1 protein function with a negative predictive value of 80%. In summary, the available evidence is currently insufficient to determine the role of this variant in disease. Therefore, it has been classified as a Variant of Uncertain Significance.

Ambry Genetics
Classification: Likely benign for Cardiovascular phenotype. Last evaluated: 2024-10-14. Review status: criteria provided, single submitter. Criteria: Ambry Variant Classification Scheme 2023. Collection method: clinical testing. Allele origin: germline.

GeneDx
Classification: Uncertain significance. Last evaluated: 2024-09-09. Review status: criteria provided, single submitter. Criteria: GeneDx Variant Classification Process June 2021. Collection method: clinical testing. Allele origin: germline. Affected: yes.
Comment: Reported in a patient with sudden unexplained death; however, additional clinical information was not provided (PMID: 29247119); In silico analysis indicates that this missense variant does not alter protein structure/function; This variant is associated with the following publications: (PMID: 29247119)

Fulgent Genetics
Classification: Uncertain significance for Long QT syndrome 12. Last evaluated: 2021-09-01. Review status: criteria provided, single submitter. Criteria: ACMG Guidelines, 2015. Collection method: clinical testing. Allele origin: unknown.

ARUP Laboratories, Molecular Genetics and Genomics, ARUP Laboratories
Classification: Uncertain significance for Long QT syndrome 12. Last evaluated: 2021-07-10. Review status: criteria provided, single submitter. Criteria: ARUP Molecular Germline Variant Investigation Process 2021. Collection method: clinical testing. Allele origin: germline.
Comment: The SNTA1 c.101G>A; p.Ser34Asn variant (rs963277918) is reported in the literature in an individual with sudden unexplained death, though its clinical significance was considered uncertain (Lin 2017). This variant is found on only three chromosomes (3/102606 alleles) in the Genome Aggregation Database. The serine at codon 34 is weakly conserved, and computational analyses predict that this variant is neutral (REVEL: 0.031). However, due to limited information, the clinical significance of the p.Ser34Asn variant is uncertain at this time. References: Lin et al. Applying High-Resolution Variant Classification to Cardiac Arrhythmogenic Gene Testing in a Demographically Diverse Cohort of Sudden Unexplained Deaths. Circ Cardiovasc Genet. 2017 Dec;10(6):e001839. PMID: 29247119.

Women's Health and Genetics/Laboratory Corporation of America, LabCorp
Classification: Uncertain significance. Last evaluated: 2016-04-04. Review status: criteria provided, single submitter. Criteria: LabCorp Variant Classification Summary - May 2015. Collection method: clinical testing. Allele origin: germline.
Comment: Variant Summary: The c.101G>A variant involves the alteration of a non-conserved nucleotide and 4/4 in silico tools predict a neutral outcome. The variant is absent from the large, broad ExAC control population. The variant of interest has not, to our knowledge, been reported in affected individuals via publications and/or reputable databases/clinical laboratories; nor evaluated for functional impact by in vivo/vitro studies. Because of the absence of clinical information and the lack of functional studies, the variant was classified as a variant of uncertain significance (VUS) until additional information becomes available.

Literature cited by the submitters: PubMed 29247119 (cited by Labcorp Genetics (formerly Invitae), Labcorp and Ambry Genetics).

NM_003098.3(SNTA1):c.101G>A (p.Ser34Asn)

Genes: SNTA1 (syntrophin alpha 1; minus strand), LOC130065680 (ATAC-STARR-seq lymphoblastoid silent region 12812; plus strand). Cytogenetic location: 20q11.21.
Variant type: single nucleotide variant.
Coding change: c.101G>A on transcript NM_003098.3 (MANE Select); coding-DNA position 101, G replaced by A.
Protein change: p.Ser34Asn; replaces serine 34 with asparagine.
Molecular consequence: missense variant.
Genome position (GRCh38, 1-based): chr20:33,443,520, C>T on the plus strand (G>A on the coding strand, the complement: SNTA1 is on the minus strand). VCF-style: chr20-33443520-C-T. GRCh37 (hg19) VCF-style: chr20-32031326-C-T.
Other names: short protein forms S34N.
Identifiers: ClinVar variation 496194 (VCV000496194.18), dbSNP rs963277918, ClinGen allele CA313279110.